The following is an entry in ClinVar:

NM_004064.5(CDKN1B):c.25G>T (p.Gly9Trp)

Gene: CDKN1B (cyclin dependent kinase inhibitor 1B; plus strand). Cytogenetic location: 12p13.1.
Variant type: single nucleotide variant.
Coding change: c.25G>T on transcript NM_004064.5 (MANE Select); coding-DNA position 25, G replaced by T.
Protein change: p.Gly9Trp; replaces glycine 9 with tryptophan.
Molecular consequence: missense variant.
Genome position (GRCh38, 1-based): chr12:12,717,864, G>T. VCF-style: chr12-12717864-G-T. GRCh37 (hg19) VCF-style: chr12-12870798-G-T.
Other names: short protein forms G9W.
Identifiers: ClinVar variation 1009857 (VCV001009857.9), dbSNP rs755225286, ClinGen allele CA383967987.

ClinVar aggregate classification (germline): Uncertain significance (1 of 4 stars; one submission).

Conditions:
Multiple endocrine neoplasia type 4. Also called: MULTIPLE ENDOCRINE NEOPLASIA, TYPE IV. Identifiers: Orphanet 276152, MedGen C1970712, MONDO:0012552, OMIM 610755.

Submission:

Labcorp Genetics (formerly Invitae), Labcorp
Classification: Uncertain significance for Multiple endocrine neoplasia type 4. Last evaluated: 2020-02-13. Review status: criteria provided, single submitter. Criteria: Invitae Variant Classification Sherloc (09022015). Collection method: clinical testing. Allele origin: germline.
Comment: This sequence change replaces glycine with tryptophan at codon 9 of the CDKN1B protein (p.Gly9Trp). The glycine residue is highly conserved and there is a large physicochemical difference between glycine and tryptophan. This variant is not present in population databases (ExAC no frequency). This variant has not been reported in the literature in individuals with CDKN1B-related conditions. Algorithms developed to predict the effect of missense changes on protein structure and function (SIFT, PolyPhen-2, Align-GVGD) all suggest that this variant is likely to be disruptive, but these predictions have not been confirmed by published functional studies and their clinical significance is uncertain. In summary, the available evidence is currently insufficient to determine the role of this variant in disease. Therefore, it has been classified as a Variant of Uncertain Significance.